The following is an entry in ClinVar:

ClinVar aggregate classification (germline): Uncertain significance (1 of 4 stars; one submission).

Conditions:
Emery-Dreifuss muscular dystrophy 4, autosomal dominant (EDMD4). Also called: EMERY-DREIFUSS MUSCULAR DYSTROPHY 4 WITH VARIABLE FEATURES. Identifiers: Orphanet 261, MedGen C2751807, MONDO:0013071, OMIM 612998.
Autosomal recessive ataxia, Beauce type. Also called: Spinocerebellar ataxia, autosomal recessive 8; ATAXIA, RECESSIVE, OF BEAUCE; SYNE1 Deficiency; SYNE1-Related Autosomal Recessive Cerebellar Ataxia. Identifiers: Orphanet 88644, MedGen C1853116, MONDO:0012549, OMIM 610743.

Allele frequency attached by ClinVar (database versions not stated): gnomAD exomes below 0.00001 and 0.00001; gnomAD 0.00001; TOPMed 0.00001; ExAC 0.00002; ESP Exome Variant Server 0.00008.
gnomAD v4.1: 5 of 1,614,002 alleles (0.00031%); highest among the groups gnomAD compares: African/African-American, 0.004%; no homozygotes.

Submission:

Labcorp Genetics (formerly Invitae), Labcorp
Classification: Uncertain significance for Emery-Dreifuss muscular dystrophy 4, autosomal dominant; Autosomal recessive ataxia, Beauce type. Last evaluated: 2023-10-13. Review status: criteria provided, single submitter. Criteria: Invitae Variant Classification Sherloc (09022015). Collection method: clinical testing. Allele origin: germline.
Comment: This sequence change replaces methionine, which is neutral and non-polar, with threonine, which is neutral and polar, at codon 7915 of the SYNE1 protein (p.Met7915Thr). This variant is present in population databases (rs146463833, gnomAD 0.01%). This variant has not been reported in the literature in individuals affected with SYNE1-related conditions. ClinVar contains an entry for this variant (Variation ID: 1514613). Algorithms developed to predict the effect of missense changes on protein structure and function output the following: SIFT: "Not Available"; PolyPhen-2: "Benign"; Align-GVGD: "Not Available". The threonine amino acid residue is found in multiple mammalian species, which suggests that this missense change does not adversely affect protein function. In summary, the available evidence is currently insufficient to determine the role of this variant in disease. Therefore, it has been classified as a Variant of Uncertain Significance.

NM_182961.4(SYNE1):c.23957T>C (p.Met7986Thr)

Gene: SYNE1 (spectrin repeat containing nuclear envelope protein 1; minus strand). Cytogenetic location: 6q25.2.
Variant type: single nucleotide variant.
Coding change: c.23957T>C on transcript NM_182961.4 (MANE Select); coding-DNA position 23957, T replaced by C.
Protein change: p.Met7986Thr; replaces methionine 7986 with threonine.
Molecular consequence: missense variant.
Genome position (GRCh38, 1-based): chr6:152,155,931, A>G on the plus strand (T>C on the coding strand, the complement: SYNE1 is on the minus strand). VCF-style: chr6-152155931-A-G. GRCh37 (hg19) VCF-style: chr6-152477066-A-G.
Other names: c.563T>C, p.Met188Thr (NM_001347701.2); c.422T>C, p.Met141Thr (NM_001347702.2); c.23744T>C, p.Met7915Thr (NM_033071.5); short protein forms M7986T, M188T, M7915T, M141T.
Identifiers: ClinVar variation 1514613 (VCV001514613.6), dbSNP rs146463833, ClinGen allele CA4053310.